The following is an entry in ClinVar:

NM_006031.6(PCNT):c.-16G>T

Genes: PCNT (pericentrin; plus strand), LOC130066875 (ATAC-STARR-seq lymphoblastoid silent region 13419; plus strand). Cytogenetic location: 21q22.3.
Variant type: single nucleotide variant.
Coding change: c.-16G>T on transcript NM_006031.6 (MANE Select); 16 bases upstream of the start codon, G replaced by T.
Molecular consequence: 5 prime UTR variant.
Genome position (GRCh38, 1-based): chr21:46,324,213, G>T. VCF-style: chr21-46324213-G-T. GRCh37 (hg19) VCF-style: chr21-47744127-G-T.
Identifiers: ClinVar variation 138617 (VCV000138617.6), dbSNP rs138595914, ClinGen allele CA292704.

ClinVar aggregate classification (germline): Benign. Review status: criteria provided, multiple submitters, no conflicts (2 of 4 stars). 3 submissions from 3 submitters: Benign (3). Last evaluated 2018-01-12.

Conditions:
Microcephalic osteodysplastic primordial dwarfism type II (MOPD2). Also called: Microcephalic osteodysplastic primordial dwarfism with tooth abnormalities; OSTEODYSPLASTIC PRIMORDIAL DWARFISM, TYPE II; MOPD II. Identifiers: Orphanet 2637, MedGen C0432246, MONDO:0008872, OMIM 210720.

Allele frequency attached by ClinVar (database versions not stated): 1000 Genomes Project 30x 0.01780; 1000 Genomes Project 0.01837; TOPMed 0.03824; ESP Exome Variant Server 0.04642; gnomAD 0.05397.

Submissions (3):

Illumina Laboratory Services, Illumina
Classification: Benign for Microcephalic osteodysplastic primordial dwarfism type II. Last evaluated: 2018-01-12. Review status: criteria provided, single submitter. Criteria: ICSL Variant Classification Criteria 13 December 2019. Collection method: clinical testing. Allele origin: germline.
Comment: This variant was observed in the ICSL laboratory as part of a predisposition screen in an ostensibly healthy population. It had not been previously curated by ICSL or reported in the Human Gene Mutation Database (HGMD: prior to June 1st, 2018), and was therefore a candidate for classification through an automated scoring system. Utilizing variant allele frequency, disease prevalence and penetrance estimates, and inheritance mode, an automated score was calculated to assess if this variant is too frequent to cause the disease. Based on the score and internal cut-off values, a variant classified as benign is not then subjected to further curation. The score for this variant resulted in a classification of benign for this disease.

GeneDx
Classification: Benign. Last evaluated: 2014-03-31. Review status: criteria provided, single submitter. Criteria: GeneDx Variant Classification (06012015). Collection method: clinical testing. Allele origin: germline. Affected: yes.
Comment: This variant is considered likely benign or benign based on one or more of the following criteria: it is a conservative change, it occurs at a poorly conserved position in the protein, it is predicted to be benign by multiple in silico algorithms, and/or has population frequency not consistent with disease.

Breakthrough Genomics
Classification: Benign. Review status: criteria provided, single submitter. Criteria: ACMG Guidelines, 2015. Collection method: not provided. Allele origin: germline. Inheritance: Autosomal recessive inheritance. Affected: yes.